The following is an entry in ClinVar:

ClinVar aggregate classification (germline): Uncertain significance (1 of 4 stars; one submission).

Conditions:
TNF receptor-associated periodic fever syndrome (TRAPS) (FPF). Also called: TNF receptor 1-associated periodic fever syndrome; TNF Receptor-Associated Periodic Fever Syndrome; FAMILIAL HIBERNIAN FEVER; TNF RECEPTOR-ASSOCIATED PERIODIC SYNDROME; TUMOR NECROSIS FACTOR RECEPTOR-ASSOCIATED PERIODIC SYNDROME; Autosomal Dominant Familial Periodic Fever. Identifiers: Orphanet 32960, MedGen C1275126, MONDO:0007727, OMIM 142680.

Submission:

Labcorp Genetics (formerly Invitae), Labcorp
Classification: Uncertain significance for TNF receptor-associated periodic fever syndrome (TRAPS). Last evaluated: 2024-09-12. Review status: criteria provided, single submitter. Criteria: Invitae Variant Classification Sherloc (09022015). Collection method: clinical testing. Allele origin: germline.
Comment: This sequence change replaces alanine, which is neutral and non-polar, with serine, which is neutral and polar, at codon 308 of the TNFRSF1A protein (p.Ala308Ser). This variant is not present in population databases (gnomAD no frequency). This variant has not been reported in the literature in individuals affected with TNFRSF1A-related conditions. An algorithm developed to predict the effect of missense changes on protein structure and function outputs the following: PolyPhen-2: "Benign". The serine amino acid residue is found in multiple mammalian species, which suggests that this missense change does not adversely affect protein function. In summary, the available evidence is currently insufficient to determine the role of this variant in disease. Therefore, it has been classified as a Variant of Uncertain Significance.

NM_001065.4(TNFRSF1A):c.922G>T (p.Ala308Ser)

Gene: TNFRSF1A (TNF receptor superfamily member 1A; minus strand). Cytogenetic location: 12p13.31.
Variant type: single nucleotide variant.
Coding change: c.922G>T on transcript NM_001065.4 (MANE Select); coding-DNA position 922, G replaced by T.
Protein change: p.Ala308Ser; replaces alanine 308 with serine.
Molecular consequence: missense variant. On other transcripts: non-coding transcript variant (1).
Genome position (GRCh38, 1-based): chr12:6,329,913, C>A on the plus strand (G>T on the coding strand, the complement: TNFRSF1A is on the minus strand). VCF-style: chr12-6329913-C-A. GRCh37 (hg19) VCF-style: chr12-6439079-C-A.
Other names: c.598G>T, p.Ala200Ser (NM_001346091.2); c.463G>T, p.Ala155Ser (NM_001346092.2); short protein forms A308S, A155S, A200S.
Identifiers: ClinVar variation 2751472 (VCV002751472.3), dbSNP rs2136814761, ClinGen allele CA383545875.